The following is an entry in ClinVar:

ClinVar aggregate classification (germline): Uncertain significance. Review status: criteria provided, multiple submitters, no conflicts (2 of 4 stars). 2 submissions from 2 submitters: Uncertain significance (2). Last evaluated 2023-12-22.

Conditions:
Coffin-Siris syndrome 8. Identifiers: MedGen C5193054, MONDO:0032702, OMIM 618362.
Inborn genetic diseases. Identifiers: MedGen C0950123, MeSH D030342.

Allele frequency attached by ClinVar (database versions not stated): gnomAD 0.00001; ExAC 0.00001.
gnomAD v4.1: 11 of 1,613,948 alleles (0.00068%); highest among the groups gnomAD compares: East Asian, 0.0067%; no homozygotes.

Submissions (2):

Laboratorio de Genetica e Diagnostico Molecular, Hospital Israelita Albert Einstein
Classification: Uncertain significance for Coffin-Siris syndrome 8. Last evaluated: 2023-12-22. Review status: criteria provided, single submitter. Criteria: ACMG Guidelines, 2015. Collection method: clinical testing. Allele origin: germline. Affected: yes.
Comment: ACMG classification criteria: PM2 supporting, PP2 supporting, BP4 supporting

Ambry Genetics
Classification: Uncertain significance for Inborn genetic diseases. Last evaluated: 2021-11-12. Review status: criteria provided, single submitter. Criteria: Ambry Variant Classification Scheme 2023. Collection method: clinical testing. Allele origin: germline.

NM_001330288.2(SMARCC2):c.3427G>A (p.Ala1143Thr)

Gene: SMARCC2 (SWI/SNF related BAF chromatin remodeling complex subunit C2; minus strand). Cytogenetic location: 12q13.2.
Variant type: single nucleotide variant.
Coding change: c.3427G>A on transcript NM_001330288.2 (MANE Select); coding-DNA position 3427, G replaced by A.
Protein change: p.Ala1143Thr; replaces alanine 1143 with threonine.
Molecular consequence: missense variant. On other transcripts: intron variant (2).
Genome position (GRCh38, 1-based): chr12:56,164,537, C>T on the plus strand (G>A on the coding strand, the complement: SMARCC2 is on the minus strand). VCF-style: chr12-56164537-C-T. GRCh37 (hg19) VCF-style: chr12-56558321-C-T.
Other names: c.3334G>A, p.Ala1112Thr (NM_003075.5); c.3316+111G>A (NM_139067.4, NM_001130420.3); short protein forms A1112T, A1143T.
Identifiers: ClinVar variation 2341539 (VCV002341539.3), dbSNP rs751730460, ClinGen allele CA6625559.